The following is an entry in ClinVar:

ClinVar aggregate classification (germline): Pathogenic/Likely pathogenic. Review status: criteria provided, multiple submitters, no conflicts (2 of 4 stars). 3 submissions from 3 submitters: Pathogenic (1); Likely pathogenic (1). 1 of the submissions does not count toward it. Last evaluated 2022-12-29.

Conditions:
Tyrosinemia type II (TYRSN2). Also called: KERATOSIS PALMOPLANTARIS WITH CORNEAL DYSTROPHY; OREGON TYPE TYROSINEMIA; TAT DEFICIENCY; TYROSINE AMINOTRANSFERASE DEFICIENCY; TYROSINE TRANSAMINASE DEFICIENCY. Identifiers: Orphanet 28378, MedGen C0268487, MONDO:0010160, OMIM 276600.

Submissions (3):

Labcorp Genetics (formerly Invitae), Labcorp
Classification: Pathogenic for Tyrosinemia type II. Last evaluated: 2022-12-29. Review status: criteria provided, single submitter. Criteria: Invitae Variant Classification Sherloc (09022015). Collection method: clinical testing. Allele origin: germline.
Comment: For these reasons, this variant has been classified as Pathogenic. ClinVar contains an entry for this variant (Variation ID: 550810). This variant has not been reported in the literature in individuals affected with TAT-related conditions. This variant is present in population databases (rs746077579, gnomAD 0.01%). This sequence change creates a premature translational stop signal (p.Leu76Profs*17) in the TAT gene. It is expected to result in an absent or disrupted protein product. Loss-of-function variants in TAT are known to be pathogenic (PMID: 9544843).

Baylor Genetics
Classification: Likely pathogenic for Tyrosinemia type II. Last evaluated: 2022-05-28. Review status: criteria provided, single submitter. Criteria: ACMG Guidelines, 2015. Collection method: clinical testing. Allele origin: unknown.

Counsyl
Classification: Likely pathogenic for Tyrosinemia type II. Last evaluated: 2017-10-10. Review status: no assertion criteria provided. Collection method: clinical testing. Allele origin: unknown. Not counted in ClinVar's aggregate classification.

Literature cited by the submitters: PubMed 9544843 (cited by Labcorp Genetics (formerly Invitae), Labcorp).

NM_000353.3(TAT):c.226dup (p.Leu76fs)

Gene: TAT (tyrosine aminotransferase; minus strand). Cytogenetic location: 16q22.2.
Variant type: Duplication.
Coding change: c.226dup on transcript NM_000353.3 (MANE Select); coding-DNA position 226, one base duplicated (C; older notation c.226dupC).
Protein change: p.Leu76fs; shifts the reading frame from leucine 76.
Molecular consequence: frameshift variant.
Genome position (GRCh38, 1-based): chr16:71,576,190, G duplicated on the plus strand (C on the coding strand, the reverse complement: TAT is on the minus strand); the first of 3 consecutive G bases (chr16:71,576,190-71,576,192); duplicating any one gives the same sequence. VCF-style (leftmost placement, unchanged base first): chr16-71576189-A-AG. GRCh37 (hg19) VCF-style: chr16-71610092-A-AG.
Other names: c.226dupC (NM_000353.2); short protein forms L76fs.
Identifiers: ClinVar variation 550810 (VCV000550810.6), dbSNP rs746077579, ClinGen allele CA8154061.